The following is an entry in ClinVar:

NM_000368.5(TSC1):c.809C>G (p.Ser270Ter)

Gene: TSC1 (TSC complex subunit 1; minus strand). Cytogenetic location: 9q34.13.
Variant type: single nucleotide variant.
Coding change: c.809C>G on transcript NM_000368.5 (MANE Select); coding-DNA position 809, C replaced by G.
Protein change: p.Ser270Ter; replaces serine 270 with a stop codon.
Molecular consequence: nonsense.
Genome position (GRCh38, 1-based): chr9:132,912,386, G>C on the plus strand (C>G on the coding strand, the complement: TSC1 is on the minus strand). VCF-style: chr9-132912386-G-C. GRCh37 (hg19) VCF-style: chr9-135787773-G-C.
Other names: c.809C>G, p.Ser270Ter (NM_001406593.1, NM_001406594.1, NM_001406595.1 and 16 more transcripts); c.656C>G, p.Ser219Ter (NM_001162427.2, NM_001406612.1, NM_001406613.1 and 2 more transcripts); c.446C>G, p.Ser149Ter (NM_001362177.2, NM_001406614.1, NM_001406615.1 and 10 more transcripts); c.-143C>G (NM_001406626.1, NM_001406627.1, NM_001406628.1); c.-285C>G (NM_001406629.1, NM_001406630.1); short protein forms S219*, S149*, S270*.
Identifiers: ClinVar variation 2034327 (VCV002034327.4), dbSNP rs878853968, ClinGen allele CA375369441.

ClinVar aggregate classification (germline): Pathogenic (1 of 4 stars; one submission).

Conditions:
Tuberous sclerosis 1 (TSC1). Identifiers: Orphanet 805, MedGen C1854465, MONDO:0008612, OMIM 191100.

Submission:

Labcorp Genetics (formerly Invitae), Labcorp
Classification: Pathogenic for Tuberous sclerosis 1. Last evaluated: 2022-10-06. Review status: criteria provided, single submitter. Criteria: Invitae Variant Classification Sherloc (09022015). Collection method: clinical testing. Allele origin: germline.
Comment: For these reasons, this variant has been classified as Pathogenic. This sequence change creates a premature translational stop signal (p.Ser270*) in the TSC1 gene. It is expected to result in an absent or disrupted protein product. Loss-of-function variants in TSC1 are known to be pathogenic (PMID: 10227394, 17304050). This variant is not present in population databases (gnomAD no frequency). This variant has not been reported in the literature in individuals affected with TSC1-related conditions.

Literature cited by the submitters: PubMed 10227394; PubMed 17304050.